The following is an entry in ClinVar:

ClinVar aggregate classification (germline): Uncertain significance (1 of 4 stars; one submission).

Allele frequency attached by ClinVar (database versions not stated): gnomAD exomes below 0.00001.
gnomAD v4.1: 1 of 1,614,086 alleles (0.000062%); highest among the groups gnomAD compares: East Asian, 0.0022%; no homozygotes.

Submission:

Labcorp Genetics (formerly Invitae), Labcorp
Classification: Uncertain significance. Last evaluated: 2024-10-23. Review status: criteria provided, single submitter. Criteria: Invitae Variant Classification Sherloc (09022015). Collection method: clinical testing. Allele origin: germline.
Comment: This sequence change replaces serine, which is neutral and polar, with cysteine, which is neutral and slightly polar, at codon 978 of the DLC1 protein (p.Ser978Cys). This variant is not present in population databases (gnomAD no frequency). This variant has not been reported in the literature in individuals affected with DLC1-related conditions. ClinVar contains an entry for this variant (Variation ID: 2092058). An algorithm developed to predict the effect of missense changes on protein structure and function (PolyPhen-2) suggests that this variant is likely to be tolerated. In summary, the available evidence is currently insufficient to determine the role of this variant in disease. Therefore, it has been classified as a Variant of Uncertain Significance.

NM_182643.3(DLC1):c.2933C>G (p.Ser978Cys)

Gene: DLC1 (DLC1 Rho GTPase activating protein; minus strand). Cytogenetic location: 8p22.
Variant type: single nucleotide variant.
Coding change: c.2933C>G on transcript NM_182643.3 (MANE Select); coding-DNA position 2933, C replaced by G.
Protein change: p.Ser978Cys; replaces serine 978 with cysteine.
Molecular consequence: missense variant.
Genome position (GRCh38, 1-based): chr8:13,099,404, G>C on the plus strand (C>G on the coding strand, the complement: DLC1 is on the minus strand). VCF-style: chr8-13099404-G-C. GRCh37 (hg19) VCF-style: chr8-12956913-G-C.
Other names: c.1400C>G, p.Ser467Cys (NM_001164271.2, NM_001348082.2, NM_001348083.1 and 6 more transcripts); c.1724C>G, p.Ser575Cys (NM_001316668.2, NM_001413129.1); c.2933C>G, p.Ser978Cys (NM_001348081.2, NM_001413124.1); c.1715C>G, p.Ser572Cys (NM_001413130.1); c.1373C>G, p.Ser458Cys (NM_001413131.1, NM_001413137.1); c.1859C>G, p.Ser620Cys (NM_001413132.1); c.1622C>G, p.Ser541Cys (NM_001413135.1, NM_001413136.1, NM_001413139.1 and 1 more transcripts); c.1757C>G, p.Ser586Cys (NM_001413140.1); short protein forms S978C, S458C, S575C, S586C, S467C, S541C, S572C, S620C.
Identifiers: ClinVar variation 2092058 (VCV002092058.4), dbSNP rs1818790412, ClinGen allele CA370344053.